The following is an entry in ClinVar:

ClinVar aggregate classification (germline): Pathogenic. Review status: reviewed by expert panel (3 of 4 stars). 2 submissions from 2 submitters: Pathogenic (1). 1 of the submissions does not count toward it. Last evaluated 2016-09-08.

Conditions:
Breast-ovarian cancer, familial, susceptibility to, 1 (BROVCA1). Also called: BRCA1 Hereditary Breast and Ovarian Cancer; OVARIAN CANCER, SUSCEPTIBILITY TO. Identifiers: Orphanet 145, MedGen C2676676, MONDO:0011450, OMIM 604370. Disease mechanism: loss of function.

Allele frequency attached by ClinVar (database versions not stated): gnomAD exomes below 0.00001; ExAC 0.00001.

Submissions (2):

Evidence-based Network for the Interpretation of Germline Mutant Alleles (ENIGMA)
Classification: Pathogenic for Breast-ovarian cancer, familial, susceptibility to, 1. Last evaluated: 2016-09-08. Review status: reviewed by expert panel. Criteria: ENIGMA BRCA1/2 Classification Criteria (2015). Collection method: curation. Allele origin: germline.
Comment: Variant allele predicted to encode a truncated non-functional protein.

Molecular Endocrinology Laboratory, Christian Medical College
Classification: Pathogenic for Breast-ovarian cancer, familial, susceptibility to, 1. Review status: criteria provided, single submitter. Criteria: ACMG Guidelines, 2015. Collection method: clinical testing. Allele origin: germline. Affected: yes. Not counted in ClinVar's aggregate classification.

NM_007294.4(BRCA1):c.5366del (p.Ala1789fs)

Gene: BRCA1 (BRCA1 DNA repair associated; minus strand). Cytogenetic location: 17q21.31.
Variant type: Deletion.
Coding change: c.5366del on transcript NM_007294.4 (MANE Select); coding-DNA position 5366, one base deleted (C; older notation c.5366delC).
Protein change: p.Ala1789fs; shifts the reading frame from alanine 1789.
Molecular consequence: frameshift variant. On other transcripts: non-coding transcript variant (1), intron variant (1).
Genome position (GRCh38, 1-based): chr17:43,049,161, G deleted on the plus strand (C on the coding strand, the reverse complement: BRCA1 is on the minus strand). VCF-style (leftmost placement, unchanged base first): chr17-43049160-AG-A. GRCh37 (hg19) VCF-style: chr17-41201177-AG-A.
Other names: c.5282delC, p.Ala1761Valfs (NM_001407661.1, NM_001407662.1, NM_001407663.1 and 2 more transcripts); c.5243delC, p.Ala1748Valfs (NM_001407664.1, NM_001407665.1, NM_001407666.1 and 3 more transcripts); c.5240delC, p.Ala1747Valfs (NM_001407670.1, NM_001407671.1, NM_001407672.1 and 8 more transcripts); c.5237delC, p.Ala1746Valfs (NM_001407681.1, NM_001407682.1, NM_001407683.1 and 5 more transcripts); c.5234delC, p.Ala1745Valfs (NM_001407690.1, NM_001407691.1); c.5225delC, p.Ala1742Valfs (NM_001407692.1, NM_001407694.1, NM_001407695.1 and 11 more transcripts); c.5222delC, p.Ala1741Valfs (NM_001407732.1, NM_001407733.1, NM_001407734.1 and 18 more transcripts); c.5219delC, p.Ala1740Valfs (NM_001407838.1, NM_001407839.1, NM_001407841.1 and 12 more transcripts); and 75 more; short protein forms A1789fs, A1810fs, A685fs, A1742fs.
Identifiers: ClinVar variation 254468 (VCV000254468.4), dbSNP rs760188581, ClinGen allele CA054762.
Genomic context (GRCh38, chr17:43,049,160, plus strand): 5'-GACAGGGCACCCAATACTTACTGTGCCAAGGGTGAATGATGAAAGCTCCTTCACCACAGA[AG>A]CACCACACAGCTGTACCATCCATTCCAGTTGATCTAAAATGGACATTTAGATGTAAAATC-3'